The following is an entry in ClinVar:

ClinVar aggregate classification (germline): Uncertain significance. Review status: criteria provided, multiple submitters, no conflicts (2 of 4 stars). 2 submissions from 2 submitters: Uncertain significance (2). Last evaluated 2022-12-13.

Conditions:
Focal segmental glomerulosclerosis 5 (FSGS5). Identifiers: Orphanet 656, MedGen C2750475, MONDO:0013191, OMIM 613237.
Charcot-Marie-Tooth disease dominant intermediate E. Also called: CHARCOT-MARIE-TOOTH NEUROPATHY WITH FOCAL SEGMENTAL GLOMERULONEPHRITIS. Identifiers: Orphanet 93114, MedGen C4302667, MONDO:0013758, OMIM 614455.

gnomAD v4.1: 2 of 1,563,906 alleles (0.00013%); highest among the groups gnomAD compares: Non-Finnish European, 0.00017%; no homozygotes.

Submissions (2):

GeneDx
Classification: Uncertain significance. Last evaluated: 2022-12-13. Review status: criteria provided, single submitter. Criteria: GeneDx Variant Classification Process June 2021. Collection method: clinical testing. Allele origin: germline. Affected: yes.
Comment: Not observed at significant frequency in large population cohorts (gnomAD); In silico analysis supports that this missense variant does not alter protein structure/function; Has not been previously published as pathogenic or benign to our knowledge

Labcorp Genetics (formerly Invitae), Labcorp
Classification: Uncertain significance for Charcot-Marie-Tooth disease dominant intermediate E; Focal segmental glomerulosclerosis 5. Last evaluated: 2022-07-26. Review status: criteria provided, single submitter. Criteria: Invitae Variant Classification Sherloc (09022015). Collection method: clinical testing. Allele origin: germline.
Comment: In summary, the available evidence is currently insufficient to determine the role of this variant in disease. Therefore, it has been classified as a Variant of Uncertain Significance. Algorithms developed to predict the effect of missense changes on protein structure and function output the following: SIFT: "Tolerated"; PolyPhen-2: "Benign"; Align-GVGD: "Class C0". The glutamine amino acid residue is found in multiple mammalian species, which suggests that this missense change does not adversely affect protein function. ClinVar contains an entry for this variant (Variation ID: 1525872). This variant has not been reported in the literature in individuals affected with INF2-related conditions. This variant is not present in population databases (gnomAD no frequency). This sequence change replaces glutamic acid, which is acidic and polar, with glutamine, which is neutral and polar, at codon 395 of the INF2 protein (p.Glu395Gln).

NM_022489.4(INF2):c.1183G>C (p.Glu395Gln)

Gene: INF2 (inverted formin 2; plus strand). Cytogenetic location: 14q32.33.
Variant type: single nucleotide variant.
Coding change: c.1183G>C on transcript NM_022489.4 (MANE Select); coding-DNA position 1183, G replaced by C.
Protein change: p.Glu395Gln; replaces glutamic acid 395 with glutamine.
Molecular consequence: missense variant.
Genome position (GRCh38, 1-based): chr14:104,707,450, G>C. VCF-style: chr14-104707450-G-C. GRCh37 (hg19) VCF-style: chr14-105173787-G-C.
Other names: c.1183G>C (NM_022489.3); c.1183G>C, p.Glu395Gln (NM_001031714.4); short protein forms E395Q.
Identifiers: ClinVar variation 1525872 (VCV001525872.6), dbSNP rs374769850, ClinGen allele CA391216029.